The following is an entry in ClinVar:

NM_017534.6(MYH2):c.91C>T (p.Pro31Ser)

Genes: MYH2 (myosin heavy chain 2; minus strand), MYHAS (myosin heavy chain gene cluster antisense RNA; plus strand). Cytogenetic location: 17p13.1.
Variant type: single nucleotide variant.
Coding change: c.91C>T on transcript NM_017534.6 (MANE Select); coding-DNA position 91, C replaced by T.
Protein change: p.Pro31Ser; replaces proline 31 with serine.
Molecular consequence: missense variant.
Genome position (GRCh38, 1-based): chr17:10,547,830, G>A on the plus strand (C>T on the coding strand, the complement: MYH2 is on the minus strand). VCF-style: chr17-10547830-G-A. GRCh37 (hg19) VCF-style: chr17-10451147-G-A.
Other names: c.91C>T, p.Pro31Ser (NM_001100112.2); c.91C>T (NM_017534.5); short protein forms P31S.
Identifiers: ClinVar variation 2420775 (VCV002420775.11), dbSNP rs367640819, ClinGen allele CA8391733.

ClinVar aggregate classification (germline): Uncertain significance. Review status: criteria provided, multiple submitters, no conflicts (2 of 4 stars). 2 submissions from 2 submitters: Uncertain significance (2). Last evaluated 2026-01-14.

Conditions:
Inborn genetic diseases. Identifiers: MedGen C0950123, MeSH D030342.
Myopathy, proximal, and ophthalmoplegia (CMYO6). Also called: MYOPATHY WITH CONGENITAL JOINT CONTRACTURES, OPHTHALMOPLEGIA, AND RIMMED VACUOLES; INCLUSION BODY MYOPATHY 3, AUTOSOMAL DOMINANT; CONGENITAL MYOPATHY 6 WITH OPHTHALMOPLEGIA. Identifiers: Orphanet 363677, Orphanet 79091, MedGen C1854106, MONDO:0011577, OMIM 605637.

Allele frequency attached by ClinVar (database versions not stated): gnomAD exomes below 0.00001; ESP Exome Variant Server 0.00015.
gnomAD v4.1: 9 of 1,614,056 alleles (0.00056%); highest among the groups gnomAD compares: Middle Eastern, 0.049%; no homozygotes.

Submissions (2):

Ambry Genetics
Classification: Uncertain significance for Inborn genetic diseases. Last evaluated: 2026-01-14. Review status: criteria provided, single submitter. Criteria: Ambry Variant Classification Scheme 2023. Collection method: clinical testing. Allele origin: germline.

Labcorp Genetics (formerly Invitae), Labcorp
Classification: Uncertain significance for Myopathy, proximal, and ophthalmoplegia. Last evaluated: 2022-09-22. Review status: criteria provided, single submitter. Criteria: Invitae Variant Classification Sherloc (09022015). Collection method: clinical testing. Allele origin: germline.
Comment: This sequence change replaces proline, which is neutral and non-polar, with serine, which is neutral and polar, at codon 31 of the MYH2 protein (p.Pro31Ser). This variant is present in population databases (rs367640819, gnomAD no frequency). This variant has not been reported in the literature in individuals affected with MYH2-related conditions. In summary, the available evidence is currently insufficient to determine the role of this variant in disease. Therefore, it has been classified as a Variant of Uncertain Significance. Advanced modeling of protein sequence and biophysical properties (such as structural, functional, and spatial information, amino acid conservation, physicochemical variation, residue mobility, and thermodynamic stability) performed at Invitae indicates that this missense variant is not expected to disrupt MYH2 protein function.